The following is an entry in ClinVar:

NM_198578.4(LRRK2):c.7153G>A (p.Gly2385Arg)

Gene: LRRK2 (leucine rich repeat kinase 2; plus strand). Cytogenetic location: 12q12.
Variant type: single nucleotide variant.
Coding change: c.7153G>A on transcript NM_198578.4 (MANE Select); coding-DNA position 7153, G replaced by A.
Protein change: p.Gly2385Arg; replaces glycine 2385 with arginine.
Molecular consequence: missense variant.
Genome position (GRCh38, 1-based): chr12:40,363,526, G>A. VCF-style: chr12-40363526-G-A. GRCh37 (hg19) VCF-style: chr12-40757328-G-A.
Other names: LRRK2, GLY2385ARG (rs34778348); short protein forms G2385R.
Identifiers: ClinVar variation 1943 (VCV000001943.30), dbSNP rs34778348, ClinGen allele CA343677.
Genomic context (GRCh38, chr12:40,363,526, plus strand): 5'-ATTGCTAAGCAAAATAGCCCTGTTGTGGAAGTGTGGGATAAGAAAACTGAAAAACTCTGT[G>A]GACTAATAGACTGCGTGCACTTTTTAAGGTAAATTCTGTGGTTTTTAATTTTATTCCCAA-3'
Protein context (NP_940980.4, residues 2375-2395): VWDKKTEKLC[Gly2385Arg]LIDCVHFLRE

ClinVar aggregate classification (germline): Conflicting classifications of pathogenicity; risk factor. Review status: criteria provided, conflicting classifications (1 of 4 stars). 10 submissions from 10 submitters: Uncertain significance (4); Benign (1); Likely benign (1). 3 of the submissions do not count toward it. Last evaluated 2025-12-15.

Conditions:
Autosomal dominant Parkinson disease 8. Also called: Parkinson disease 8, susceptibility to; LRRK2-Related Parkinson Disease; Parkinson disease 8. Identifiers: Orphanet 411602, MedGen C1846862, MONDO:0011764, OMIM 607060.
Parkinson disease (PD). Identifiers: MedGen C0030567, MeSH D010300, MONDO:0005180.

Allele frequency attached by ClinVar (database versions not stated): gnomAD 0.00085 and 0.00058; TOPMed 0.00105; 1000 Genomes Project 30x 0.00406; gnomAD exomes 0.00080 and 0.00171; ExAC 0.00158; 1000 Genomes Project 0.00479.
gnomAD v4.1: 1,269 of 1,611,766 alleles (0.079%); highest among the groups gnomAD compares: East Asian, 2.6%; 27 homozygotes.

Submissions (10):

Labcorp Genetics (formerly Invitae), Labcorp
Classification: Benign for Autosomal dominant Parkinson disease 8. Last evaluated: 2025-12-15. Review status: criteria provided, single submitter. Criteria: Invitae Variant Classification Sherloc (09022015). Collection method: clinical testing. Allele origin: germline.

Department of Neurology, Qilu Hospital of Shandong University
Classification: Uncertain significance for Autosomal dominant Parkinson disease 8. Last evaluated: 2022-01-01. Review status: criteria provided, single submitter. Criteria: ACMG2015. Collection method: clinical testing. Allele origin: germline. Affected: yes. Observed: 5 variant alleles.

Department of Pathology and Laboratory Medicine, Sinai Health System
Classification: Uncertain significance for Autosomal dominant Parkinson disease 8. Last evaluated: 2021-08-10. Review status: criteria provided, single submitter. Criteria: ACMG Guidelines, 2015. Collection method: research. Allele origin: germline.

Laboratory for Molecular Medicine, Mass General Brigham Personalized Medicine
Classification: risk factor for Parkinson disease. Last evaluated: 2020-09-21. Review status: criteria provided, single submitter. Criteria: LMM Criteria. Collection method: clinical testing. Allele origin: germline. Observed: 1 variant allele.
Comment: proposed classification - variant undergoing re-assessment, contact laboratory

Revvity Omics, Revvity
Classification: Uncertain significance. Last evaluated: 2020-04-09. Review status: criteria provided, single submitter. Criteria: ACMG Guidelines, 2015. Collection method: clinical testing. Allele origin: germline.

Mendelics
Classification: Uncertain significance for Autosomal dominant Parkinson disease 8. Last evaluated: 2019-05-28. Review status: criteria provided, single submitter. Criteria: Mendelics Assertion Criteria 2017. Collection method: clinical testing. Allele origin: unknown.

Illumina Laboratory Services, Illumina
Classification: Likely benign for Autosomal dominant Parkinson disease 8. Last evaluated: 2017-04-27. Review status: criteria provided, single submitter. Criteria: ICSL Variant Classification Criteria 13 December 2019. Collection method: clinical testing. Allele origin: germline.
Comment: This variant was observed as part of a predisposition screen in an ostensibly healthy population. A literature search was performed for the gene, cDNA change, and amino acid change (where applicable). Publications were found based on this search. The evidence from the literature, in combination with allele frequency data from public databases where available, was sufficient to determine this variant is unlikely to cause disease. Therefore, this variant is classified as likely benign.

Codex Genetics Limited
Classification: Pathogenic for Parkinson disease 8, autosomal dominant. Last evaluated: 2019-02-28. Review status: no assertion criteria provided. Collection method: provider interpretation. Allele origin: germline. Affected: yes. Not counted in ClinVar's aggregate classification.

OMIM
Classification: risk factor for PARKINSON DISEASE 8, SUSCEPTIBILITY TO. Last evaluated: 2008-10-01. Review status: no assertion criteria provided. Collection method: literature only. Allele origin: germline. Not counted in ClinVar's aggregate classification.

GeneReviews
No classification provided. Condition: Autosomal dominant Parkinson disease 8. Review status: no classification provided. Collection method: literature only. Allele origin: unknown. Not counted in ClinVar's aggregate classification.

Literature cited by the submitters: PubMed 16172858 (cited by 4 submitters); PubMed 17019612 (cited by 5 submitters); PubMed 17200152 (cited by Department of Neurology, Qilu Hospital of Shandong University); PubMed 17314670 (cited by Department of Neurology, Qilu Hospital of Shandong University); PubMed 17447891 (cited by Department of Neurology, Qilu Hospital of Shandong University); PubMed 17720280 (cited by Department of Neurology, Qilu Hospital of Shandong University); PubMed 18316234 (cited by Department of Neurology, Qilu Hospital of Shandong University); PubMed 18523869 (cited by Department of Neurology, Qilu Hospital of Shandong University); PubMed 19152345 (cited by Department of Neurology, Qilu Hospital of Shandong University); PubMed 19640773 (cited by Department of Neurology, Qilu Hospital of Shandong University); PubMed 19741132 (cited by Department of Neurology, Qilu Hospital of Shandong University and Laboratory for Molecular Medicine, Mass General Brigham Personalized Medicine); PubMed 19854095 (cited by Department of Neurology, Qilu Hospital of Shandong University); PubMed 20186690 (cited by 3 submitters); PubMed 20642453 (cited by Department of Neurology, Qilu Hospital of Shandong University); PubMed 20673920 (cited by Department of Neurology, Qilu Hospital of Shandong University); PubMed 21700325 (cited by Department of Neurology, Qilu Hospital of Shandong University); PubMed 21796139 (cited by Department of Neurology, Qilu Hospital of Shandong University); PubMed 21885347 (cited by Department of Neurology, Qilu Hospital of Shandong University); PubMed 22004453 (cited by Department of Neurology, Qilu Hospital of Shandong University); PubMed 22575234 (cited by Department of Neurology, Qilu Hospital of Shandong University); PubMed 22612223 (cited by Department of Neurology, Qilu Hospital of Shandong University and Laboratory for Molecular Medicine, Mass General Brigham Personalized Medicine); PubMed 22988870 (cited by Department of Neurology, Qilu Hospital of Shandong University); PubMed 23268655 (cited by Department of Neurology, Qilu Hospital of Shandong University); PubMed 24046064 (cited by Department of Neurology, Qilu Hospital of Shandong University); PubMed 24095219 (cited by Department of Neurology, Qilu Hospital of Shandong University); PubMed 24339985 (cited by Department of Neurology, Qilu Hospital of Shandong University); PubMed 24470158 (cited by Department of Neurology, Qilu Hospital of Shandong University); PubMed 24488318 (cited by Department of Neurology, Qilu Hospital of Shandong University); PubMed 24559644 (cited by Department of Neurology, Qilu Hospital of Shandong University); PubMed 25027012 (cited by 4 submitters); PubMed 25243190 (cited by Department of Neurology, Qilu Hospital of Shandong University and Laboratory for Molecular Medicine, Mass General Brigham Personalized Medicine); PubMed 25511328 (cited by Department of Neurology, Qilu Hospital of Shandong University); PubMed 25962553 (cited by Department of Neurology, Qilu Hospital of Shandong University); PubMed 26311745 (cited by Department of Neurology, Qilu Hospital of Shandong University); PubMed 26687033 (cited by Department of Neurology, Qilu Hospital of Shandong University); PubMed 27013965 (cited by Department of Neurology, Qilu Hospital of Shandong University); PubMed 28103901 (cited by Department of Neurology, Qilu Hospital of Shandong University and Laboratory for Molecular Medicine, Mass General Brigham Personalized Medicine); PubMed 32398759 (cited by Department of Neurology, Qilu Hospital of Shandong University); PubMed 32677319 (cited by Department of Neurology, Qilu Hospital of Shandong University); PubMed 35608967 (cited by Department of Neurology, Qilu Hospital of Shandong University); PubMed 17659642 (cited by 3 submitters); PubMed 19800393 (cited by Illumina Laboratory Services, Illumina and Codex Genetics Limited); PubMed 18704525 (cited by 3 submitters); PubMed 18688798 (cited by Illumina Laboratory Services, Illumina and Codex Genetics Limited); PubMed 16633828 (cited by 4 submitters); PubMed 20301387 (cited by Codex Genetics Limited and GeneReviews); NCBI Bookshelf NBK1208 (cited by GeneReviews).